The following is an entry in ClinVar:

ClinVar aggregate classification (germline): Conflicting classifications of pathogenicity. Review status: criteria provided, conflicting classifications (1 of 4 stars). 5 submissions from 5 submitters: Uncertain significance (4); Benign (1). Last evaluated 2026-09-22.

Conditions:
Familial temporal lobe epilepsy 7. Identifiers: Orphanet 101046, MedGen C4225327, MONDO:0014639, OMIM 616436.
Norman-Roberts syndrome (LIS2). Also called: Lissencephaly 2 (Norman-Roberts type). Identifiers: Orphanet 89844, MedGen C0796089, MONDO:0009760, OMIM 257320.

Allele frequency attached by ClinVar (database versions not stated): gnomAD exomes 0.00002 and 0.00007; gnomAD 0.00021 and 0.00022; ExAC 0.00009; TOPMed 0.00023; ESP Exome Variant Server 0.00038.
gnomAD v4.1: 66 of 1,613,974 alleles (0.0041%); highest among the groups gnomAD compares: African/African-American, 0.084%; no homozygotes.

Submissions (5):

GeneDx
Classification: Uncertain significance. Last evaluated: 2026-09-22. Review status: criteria provided, single submitter. Criteria: GeneDx Variant Classification Process June 2021. Collection method: clinical testing. Allele origin: germline.
Comment: Observed with a second RELN variant on the opposite allele (in trans) in a patient with autism in published literature; however, this patient also had a variant in an additional gene that could be contributing to the phenotype (PMID: 35668055); Identified in an individual with a neurodevelopmental disorder in published literature, but segregation and detailed clinical information were not provided (PMID: 33004838); In silico analysis supports that this missense variant has a deleterious effect on protein structure/function; This variant is associated with the following publications: (PMID: 33004838, 35668055)

Labcorp Genetics (formerly Invitae), Labcorp
Classification: Benign for Familial temporal lobe epilepsy 7; Norman-Roberts syndrome. Last evaluated: 2025-12-21. Review status: criteria provided, single submitter. Criteria: Invitae Variant Classification Sherloc (09022015). Collection method: clinical testing. Allele origin: germline.

New York Genome Center
Classification: Uncertain significance for Familial temporal lobe epilepsy 7. Last evaluated: 2020-06-19. Review status: criteria provided, single submitter. Criteria: NYGC Assertion Criteria 2020. Collection method: clinical testing. Allele origin: inherited. Observed: 1 heterozygote. Study: CSER-NYCKidSeq.

Eurofins Ntd Llc (ga)
Classification: Uncertain significance. Last evaluated: 2018-01-22. Review status: criteria provided, single submitter. Criteria: EGL Classification Definitions 2015. Collection method: clinical testing. Allele origin: germline. Observed: 2 variant alleles, 2 heterozygotes.

Breakthrough Genomics
Classification: Uncertain significance. Review status: criteria provided, single submitter. Criteria: ACMG Guidelines, 2015. Collection method: not provided. Allele origin: germline. Inheritance: Autosomal recessive inheritance. Affected: yes.

NM_005045.4(RELN):c.6458G>A (p.Gly2153Asp)

Gene: RELN (reelin; minus strand). Cytogenetic location: 7q22.1.
Variant type: single nucleotide variant.
Coding change: c.6458G>A on transcript NM_005045.4 (MANE Select); coding-DNA position 6458, G replaced by A.
Protein change: p.Gly2153Asp; replaces glycine 2153 with aspartic acid.
Molecular consequence: missense variant.
Genome position (GRCh38, 1-based): chr7:103,545,189, C>T on the plus strand (G>A on the coding strand, the complement: RELN is on the minus strand). VCF-style: chr7-103545189-C-T. GRCh37 (hg19) VCF-style: chr7-103185636-C-T.
Other names: c.6458G>A, p.Gly2153Asp (NM_173054.3); short protein forms G2153D.
Identifiers: ClinVar variation 285255 (VCV000285255.20), dbSNP rs144387303, ClinGen allele CA4420957.